The following is an entry in ClinVar:

NM_004304.5(ALK):c.3485T>A (p.Leu1162Gln)

Gene: ALK (ALK receptor tyrosine kinase; minus strand). Cytogenetic location: 2p23.2.
Variant type: single nucleotide variant.
Coding change: c.3485T>A on transcript NM_004304.5 (MANE Select); coding-DNA position 3485, T replaced by A.
Protein change: p.Leu1162Gln; replaces leucine 1162 with glutamine.
Molecular consequence: missense variant.
Genome position (GRCh38, 1-based): chr2:29,222,374, A>T on the plus strand (T>A on the coding strand, the complement: ALK is on the minus strand). VCF-style: chr2-29222374-A-T. GRCh37 (hg19) VCF-style: chr2-29445240-A-T.
Other names: c.281T>A, p.Leu94Gln (NM_001353765.2); short protein forms L1162Q, L94Q.
Identifiers: ClinVar variation 2452093 (VCV002452093.2), dbSNP rs761792619, ClinGen allele CA346463078.
Genomic context (GRCh38, chr2:29,222,374, plus strand): 5'-TGGGGTGAGGGTGTCTCTCTGTGGCTTTACCTGATGATCAGGGCTTCCATGAGGAAATCC[A>T]GTTCGTCCTGTTCAGAGCACACTTCAGGCAGCGTCTGGGCAGAGAAGGGGAGGGTGGGGA-3'
Protein context (NP_004295.2, residues 1152-1172): LPEVCSEQDE[Leu1162Gln]DFLMEALIIS

ClinVar aggregate classification (germline): Uncertain significance (1 of 4 stars; one submission).

Conditions:
Hereditary cancer-predisposing syndrome. Also called: Neoplastic Syndromes, Hereditary; Tumor predisposition; Hereditary neoplastic syndrome; Hereditary Cancer Syndrome. Identifiers: Orphanet 140162, MedGen C0027672, MeSH D009386, MONDO:0015356.

Submission:

Ambry Genetics
Classification: Uncertain significance for Hereditary cancer-predisposing syndrome. Last evaluated: 2022-11-15. Review status: criteria provided, single submitter. Criteria: Ambry Variant Classification Scheme 2023. Collection method: clinical testing. Allele origin: germline.
Comment: The p.L1162Q variant (also known as c.3485T>A), located in coding exon 22 of the ALK gene, results from a T to A substitution at nucleotide position 3485. The leucine at codon 1162 is replaced by glutamine, an amino acid with dissimilar properties. This amino acid position is conserved. In addition, this alteration is predicted to be deleterious by in silico analysis. Since supporting evidence is limited at this time, the clinical significance of this alteration remains unclear.